The following is an entry in ClinVar:

NM_002168.4(IDH2):c.913G>A (p.Val305Met)

Gene: IDH2 (isocitrate dehydrogenase (NADP(+)) 2; minus strand). Cytogenetic location: 15q26.1.
Variant type: single nucleotide variant.
Coding change: c.913G>A on transcript NM_002168.4 (MANE Select); coding-DNA position 913, G replaced by A.
Protein change: p.Val305Met; replaces valine 305 with methionine.
Molecular consequence: missense variant.
Genome position (GRCh38, 1-based): chr15:90,087,166, C>T on the plus strand (G>A on the coding strand, the complement: IDH2 is on the minus strand). VCF-style: chr15-90087166-C-T. GRCh37 (hg19) VCF-style: chr15-90630398-C-T.
Other names: c.757G>A, p.Val253Met (NM_001289910.1); c.523G>A, p.Val175Met (NM_001290114.2); short protein forms V305M, V175M, V253M.
Identifiers: ClinVar variation 1384307 (VCV001384307.9), dbSNP rs138800371, ClinGen allele CA7733026.
Genomic context (GRCh38, chr15:90,087,166, plus strand): 5'-GCGTACCCTGGGCCAGGATGTCTGACTGCACATCTCCGTCATAGTTCTTGCAGGCCCACA[C>T]AAAGCCACCCGAAGACTTGAGGACCTGAGCCACCATGTCATCAATGAGCCGGTGCTCATA-3'
Protein context (NP_002159.2, residues 295-315): AQVLKSSGGF[Val305Met]WACKNYDGDV

ClinVar aggregate classification (germline): Uncertain significance. Review status: criteria provided, multiple submitters, no conflicts (2 of 4 stars). 2 submissions from 2 submitters: Uncertain significance (2). Last evaluated 2025-03-06.

Conditions:
D-2-hydroxyglutaric aciduria 2 (D2HGA2). Identifiers: Orphanet 79315, MedGen C3150909, MONDO:0013345, OMIM 613657.

Allele frequency attached by ClinVar (database versions not stated): ExAC 0.00003; gnomAD exomes 0.00007 and 0.00009; TOPMed 0.00008; gnomAD 0.00011; ESP Exome Variant Server 0.00015.
gnomAD v4.1: 144 of 1,614,104 alleles (0.0089%); highest among the groups gnomAD compares: Non-Finnish European, 0.012%; no homozygotes.

Submissions (2):

Clinical Genomics Laboratory, Washington University in St. Louis
Classification: Uncertain significance for D-2-hydroxyglutaric aciduria 2. Last evaluated: 2025-03-06. Review status: criteria provided, single submitter. Criteria: ACMG Guidelines, 2015. Collection method: clinical testing. Allele origin: germline.
Comment: An IDH2 c.913G>A (p.Val305Met) variant was identified at a heterozygous allelic fraction of 51.2%, a frequency which may be consistent with it being of germline origin. The IDH2 c.913G>A (p.Val305Met) variant has been reported in the somatic state in 12 individuals affected with T-cell acute lymphoblastic leukemia and a single individual affected by pulmonary epithelioid hemangioendothelioma (Walia Y et al., PMID: 38155420; Eder J et al., PMID: 34994649). This variant has been reported in the ClinVar database as a variant of uncertain significance in a germline state in D-2-hydroxyglutaric aciduria 2 by a single submitter (ClinVar ID: 1384307). The highest population minor allele frequency in the population database genome aggregation database (v.4.1.0) is 0.012% in the European non-Finnish population. Computational predictors indicate that the variant is damaging, evidence that correlates with impact to IDH2 function. Due to limited information, and based on ACMG/AMP guidelines for variant interpretation (Richards S et al., PMID: 25741868), the clinical significance of this variant is uncertain at this time.

Labcorp Genetics (formerly Invitae), Labcorp
Classification: Uncertain significance for D-2-hydroxyglutaric aciduria 2. Last evaluated: 2024-10-07. Review status: criteria provided, single submitter. Criteria: Invitae Variant Classification Sherloc (09022015). Collection method: clinical testing. Allele origin: germline.
Comment: This sequence change replaces valine, which is neutral and non-polar, with methionine, which is neutral and non-polar, at codon 305 of the IDH2 protein (p.Val305Met). This variant is present in population databases (rs138800371, gnomAD 0.01%). This variant has not been reported in the literature in individuals affected with IDH2-related conditions. ClinVar contains an entry for this variant (Variation ID: 1384307). Invitae Evidence Modeling of protein sequence and biophysical properties (such as structural, functional, and spatial information, amino acid conservation, physicochemical variation, residue mobility, and thermodynamic stability) indicates that this missense variant is not expected to disrupt IDH2 protein function with a negative predictive value of 80%. In summary, the available evidence is currently insufficient to determine the role of this variant in disease. Therefore, it has been classified as a Variant of Uncertain Significance.